The following is an entry in ClinVar:

ClinVar aggregate classification (germline): Uncertain significance. Review status: criteria provided, multiple submitters, no conflicts (2 of 4 stars). 3 submissions from 3 submitters: Uncertain significance (2). 1 of the submissions does not count toward it. Last evaluated 2024-03-27.

Conditions:
Retinal dystrophy. Also called: Inherited retinal dystrophy. Identifiers: Orphanet 71862, MedGen C0854723, MeSH D058499, MONDO:0019118, HP:0000556.

Allele frequency attached by ClinVar (database versions not stated): TOPMed 0.00008; ESP Exome Variant Server 0.00015; 1000 Genomes Project 30x 0.00016; 1000 Genomes Project 0.00020; gnomAD exomes 0.00005; ExAC 0.00007; gnomAD 0.00008.
gnomAD v4.1: 89 of 1,603,156 alleles (0.0056%); highest among the groups gnomAD compares: African/African-American, 0.011%; no homozygotes.

Submissions (3):

Blueprint Genetics
Classification: Uncertain significance. Last evaluated: 2024-03-27. Review status: criteria provided, single submitter. Criteria: ACMG Guidelines, 2015. Collection method: clinical testing. Allele origin: germline.

Labcorp Genetics (formerly Invitae), Labcorp
Classification: Uncertain significance. Last evaluated: 2023-05-19. Review status: criteria provided, single submitter. Criteria: Invitae Variant Classification Sherloc (09022015). Collection method: clinical testing. Allele origin: germline.
Comment: In summary, the available evidence is currently insufficient to determine the role of this variant in disease. Therefore, it has been classified as a Variant of Uncertain Significance. Advanced modeling of protein sequence and biophysical properties (such as structural, functional, and spatial information, amino acid conservation, physicochemical variation, residue mobility, and thermodynamic stability) performed at Invitae indicates that this missense variant is expected to disrupt PDE6B protein function. ClinVar contains an entry for this variant (Variation ID: 998945). This variant has not been reported in the literature in individuals affected with PDE6B-related conditions. This variant is present in population databases (rs374915809, gnomAD 0.02%). This sequence change replaces arginine, which is basic and polar, with cysteine, which is neutral and slightly polar, at codon 234 of the PDE6B protein (p.Arg234Cys).

Institute of Human Genetics, Univ. Regensburg, Univ. Regensburg
Classification: Likely pathogenic for Retinal dystrophy. Last evaluated: 2013-01-01. Review status: no assertion criteria provided. Criteria: ACMG Guidelines, 2015. Collection method: clinical testing. Allele origin: germline. Affected: yes. Not counted in ClinVar's aggregate classification.

NM_000283.4(PDE6B):c.700C>T (p.Arg234Cys)

Gene: PDE6B (phosphodiesterase 6B; plus strand). Cytogenetic location: 4p16.3.
Variant type: single nucleotide variant.
Coding change: c.700C>T on transcript NM_000283.4 (MANE Select); coding-DNA position 700, C replaced by T.
Protein change: p.Arg234Cys; replaces arginine 234 with cysteine.
Molecular consequence: missense variant.
Genome position (GRCh38, 1-based): chr4:635,958, C>T. VCF-style: chr4-635958-C-T. GRCh37 (hg19) VCF-style: chr4-629747-C-T.
Other names: c.700C>T, p.Arg234Cys (NM_001145291.2); short protein forms R234C.
Identifiers: ClinVar variation 998945 (VCV000998945.11), dbSNP rs374915809, ClinGen allele CA2794058.